The following is an entry in ClinVar:

ClinVar aggregate classification (germline): Likely benign. Review status: criteria provided, multiple submitters, no conflicts (2 of 4 stars). 2 submissions from 2 submitters: Likely benign (2). Last evaluated 2024-11-12.

Conditions:
Renal cell carcinoma. Identifiers: Orphanet 217071, MedGen C0007134, MeSH D002292, MONDO:0005086, HP:0005584.
Papillary renal cell carcinoma type 1 (RCCP1). Also called: Renal adenocarcinoma; Renal cell carcinoma 1; Renal cell carcinoma, somatic; RENAL CELL CARCINOMA, PAPILLARY, 1, SOMATIC. Identifiers: Orphanet 47044, MedGen C1336839, OMIM 605074, HP:0011797.

Submissions (2):

Myriad Genetics, Inc.
Classification: Likely benign for Papillary renal cell carcinoma type 1. Last evaluated: 2024-11-12. Review status: criteria provided, single submitter. Criteria: Myriad Autosomal Dominant, Autosomal Recessive and X-Linked Classification Criteria (2023). Collection method: clinical testing. Allele origin: unknown.
Comment: This variant is considered likely benign. This variant is intronic and is not expected to impact mRNA splicing.

Labcorp Genetics (formerly Invitae), Labcorp
Classification: Likely benign for Renal cell carcinoma. Last evaluated: 2023-10-29. Review status: criteria provided, single submitter. Criteria: Invitae Variant Classification Sherloc (09022015). Collection method: clinical testing. Allele origin: germline.

NM_000245.4(MET):c.2888-21_2888-20delinsGC

Gene: MET (MET proto-oncogene, receptor tyrosine kinase; plus strand). Cytogenetic location: 7q31.2.
Variant type: Indel.
Coding change: c.2888-21_2888-20delinsGC on transcript NM_000245.4 (MANE Select); 21 bases into the intron before coding-DNA position 2888 through 20 bases into the intron before coding-DNA position 2888, TT replaced by GC.
Molecular consequence: intron variant.
Genome position (GRCh38, 1-based): chr7:116,771,828-116,771,829, TT replaced by GC. VCF-style: chr7-116771828-TT-GC. GRCh37 (hg19) VCF-style: chr7-116411882-TT-GC.
Other names: c.2942-21_2942-20delinsGC (NM_001127500.3); c.1598-21_1598-20delinsGC (NM_001324402.2).
Identifiers: ClinVar variation 1544834 (VCV001544834.9), dbSNP rs2116995433, ClinGen allele CA2573141509.